The following is an entry in ClinVar:

ClinVar aggregate classification (germline): Pathogenic/Likely pathogenic. Review status: criteria provided, multiple submitters, no conflicts (2 of 4 stars). 2 submissions from 2 submitters: Pathogenic (1); Likely pathogenic (1). Last evaluated 2025-12-12.

Conditions:
PCNT-related disorder. Also called: PCNT-related condition.
Microcephalic osteodysplastic primordial dwarfism type II (MOPD2). Also called: Microcephalic osteodysplastic primordial dwarfism with tooth abnormalities; MOPD II; OSTEODYSPLASTIC PRIMORDIAL DWARFISM, TYPE II. Identifiers: Orphanet 2637, MedGen C0432246, MONDO:0008872, OMIM 210720.

gnomAD v4.1: 5 of 1,613,808 alleles (0.00031%); highest among the groups gnomAD compares: Admixed American, 0.0033%; no homozygotes.

Submissions (2):

PreventionGenetics, part of Exact Sciences
Classification: Pathogenic for PCNT-related condition. Last evaluated: 2025-12-12. Review status: criteria provided, single submitter. Criteria: ACMG Guidelines, 2015. Collection method: clinical testing. Allele origin: germline.
Comment: The PCNT c.8374C>T variant is predicted to result in premature protein termination (p.Gln2792*). This variant was reported in an individual with unknown phenotype (Placeholder for). This variant is reported in 0.0028% of alleles in individuals of Latino descent in gnomAD. Nonsense variants in PCNT are expected to be pathogenic. This variant is interpreted as pathogenic.

Fulgent Genetics
Classification: Likely pathogenic for Microcephalic osteodysplastic primordial dwarfism type II. Last evaluated: 2024-03-20. Review status: criteria provided, single submitter. Criteria: ACMG Guidelines, 2015. Collection method: clinical testing. Allele origin: germline.

NM_006031.6(PCNT):c.8374C>T (p.Gln2792Ter)

Gene: PCNT (pericentrin; plus strand). Cytogenetic location: 21q22.3.
Variant type: single nucleotide variant.
Coding change: c.8374C>T on transcript NM_006031.6 (MANE Select); coding-DNA position 8374, C replaced by T.
Protein change: p.Gln2792Ter; replaces glutamine 2792 with a stop codon.
Molecular consequence: nonsense.
Genome position (GRCh38, 1-based): chr21:46,431,838, C>T. VCF-style: chr21-46431838-C-T. GRCh37 (hg19) VCF-style: chr21-47851752-C-T.
Other names: c.8374C>T (NM_006031.5); c.8020C>T, p.Gln2674Ter (NM_001315529.2); short protein forms Q2674*, Q2792*.
Identifiers: ClinVar variation 3587748 (VCV003587748.2).
Genomic context (GRCh38, chr21:46,431,838, plus strand): 5'-AGCCAGAGGACACAGGAGGCTTGCGTGCACCAGGACACACAGGCCCATCACGCTCTGCTG[C>T]AGAAGCTGAAGGAGGAGAAGTCCCGGGTGGTGGACTTGCAAGCGATGCTTGAAAAGGTGC-3'